The following is an entry in ClinVar:

ClinVar aggregate classification (germline): Conflicting classifications of pathogenicity. Review status: criteria provided, conflicting classifications (1 of 4 stars). 5 submissions from 5 submitters: Uncertain significance (3); Likely benign (1). 1 of the submissions does not count toward it. Last evaluated 2025-04-17.

Conditions:
SZT2-related disorder. Also called: SZT2-related condition.
Inborn genetic diseases. Identifiers: MedGen C0950123, MeSH D030342.
Developmental and epileptic encephalopathy, 18 (DEE18). Also called: Early infantile epileptic encephalopathy 18. Identifiers: Orphanet 369894, MedGen C3809624, MONDO:0014201, OMIM 615476.

Allele frequency attached by ClinVar (database versions not stated): ESP Exome Variant Server 0.00008; gnomAD 0.00008 and 0.00009; TOPMed 0.00008; ExAC 0.00009; gnomAD exomes 0.00012.
gnomAD v4.1: 119 of 1,613,940 alleles (0.0074%); highest among the groups gnomAD compares: Non-Finnish European, 0.0013%; no homozygotes.

Submissions (5):

Labcorp Genetics (formerly Invitae), Labcorp
Classification: Likely benign. Last evaluated: 2025-04-17. Review status: criteria provided, single submitter. Criteria: Invitae Variant Classification Sherloc (09022015). Collection method: clinical testing. Allele origin: germline.

Revvity Omics, Revvity
Classification: Uncertain significance for Developmental and epileptic encephalopathy, 18. Last evaluated: 2025-02-06. Review status: criteria provided, single submitter. Criteria: ACMG Guidelines, 2015. Collection method: clinical testing. Allele origin: germline.

GeneDx
Classification: Uncertain significance. Last evaluated: 2021-05-03. Review status: criteria provided, single submitter. Criteria: GeneDx Variant Classification Process June 2021. Collection method: clinical testing. Allele origin: germline. Affected: yes.
Comment: In silico analysis supports that this missense variant does not alter protein structure/function; Has not been previously published as pathogenic or benign to our knowledge

Ambry Genetics
Classification: Uncertain significance for Inborn genetic diseases. Last evaluated: 2019-04-03. Review status: criteria provided, single submitter. Criteria: Ambry Variant Classification Scheme 2023. Collection method: clinical testing. Allele origin: germline.
Comment: The p.A1832S variant (also known as c.5494G>T), located in coding exon 39 of the SZT2 gene, results from a G to T substitution at nucleotide position 5494. The alanine at codon 1832 is replaced by serine, an amino acid with similar properties. This amino acid position is not well conserved in available vertebrate species. In addition, this alteration is predicted to be tolerated by in silico analysis. Since supporting evidence is limited at this time, the clinical significance of this alteration remains unclear.

PreventionGenetics, part of Exact Sciences
Classification: Likely benign for SZT2-related condition. Last evaluated: 2022-02-17. Review status: no assertion criteria provided. Collection method: clinical testing. Allele origin: germline. Not counted in ClinVar's aggregate classification.
Comment: This variant is classified as likely benign based on ACMG/AMP sequence variant interpretation guidelines (Richards et al. 2015 PMID: 25741868, with internal and published modifications).

NM_001365999.1(SZT2):c.5665G>T (p.Ala1889Ser)

Gene: SZT2 (SZT2 subunit of KICSTOR complex; plus strand). Cytogenetic location: 1p34.2.
Variant type: single nucleotide variant.
Coding change: c.5665G>T on transcript NM_001365999.1 (MANE Select); coding-DNA position 5665, G replaced by T.
Protein change: p.Ala1889Ser; replaces alanine 1889 with serine.
Molecular consequence: missense variant.
Genome position (GRCh38, 1-based): chr1:43,433,051, G>T. VCF-style: chr1-43433051-G-T. GRCh37 (hg19) VCF-style: chr1-43898722-G-T.
Other names: c.5494G>T, p.Ala1832Ser (NM_015284.4); short protein forms A1832S, A1889S.
Identifiers: ClinVar variation 411949 (VCV000411949.19), dbSNP rs370230435, ClinGen allele CA809655.